The following is an entry in ClinVar:

NM_000535.7(PMS2):c.2434_2437del (p.Cys812fs)

Gene: PMS2 (PMS1 homolog 2, mismatch repair system component; minus strand). Cytogenetic location: 7p22.1.
Variant type: Deletion.
Coding change: c.2434_2437del on transcript NM_000535.7 (MANE Select); coding-DNA positions 2434 to 2437, 4 bases deleted (TGCC; older notation c.2434_2437delTGCC).
Protein change: p.Cys812fs; shifts the reading frame from cysteine 812.
Molecular consequence: frameshift variant. On other transcripts: non-coding transcript variant (1).
Genome position (GRCh38, 1-based): chr7:5,977,596-5,977,599, GGCA deleted on the plus strand (TGCC on the coding strand, the reverse complement: PMS2 is on the minus strand); deleting any 4 consecutive bases within chr7:5,977,596-5,977,602 gives the same sequence; the c. name uses the placement nearest the transcript's 3' end. VCF-style (leftmost placement, unchanged base first): chr7-5977595-CGGCA-C. GRCh37 (hg19) VCF-style: chr7-6017226-CGGCA-C.
Other names: c.2026_2029delGCCT, p.Cys677Glyfs (NM_001018040.1, NM_001406889.1, NM_001406890.1 and 9 more transcripts); c.2029_2032del, p.Cys677fs (NM_001322003.2, NM_001322004.2, NM_001322005.2); c.2278_2281del, p.Cys760fs (NM_001322006.2); c.2116_2119del, p.Cys706fs (NM_001322007.2, NM_001322008.2); c.2062_2065del, p.Cys688fs (NM_001322009.2); c.1873_1876del, p.Cys625fs (NM_001322010.2); c.1501_1504del, p.Cys501fs (NM_001322011.2, NM_001322012.2); c.1861_1864del, p.Cys621fs (NM_001322013.2); and 27 more; short protein forms C677fs, C688fs, C709fs, C625fs, C706fs, C812fs, C823fs, C501fs.
Identifiers: ClinVar variation 1791201 (VCV001791201.2), dbSNP rs2535308125, ClinGen allele CA2580076785.

ClinVar aggregate classification (germline): Pathogenic (1 of 4 stars; one submission).

Conditions:
Hereditary cancer-predisposing syndrome. Also called: Hereditary Cancer Syndrome; Hereditary neoplastic syndrome; Tumor predisposition; Neoplastic Syndromes, Hereditary. Identifiers: Orphanet 140162, MedGen C0027672, MeSH D009386, MONDO:0015356.

Submission:

Ambry Genetics
Classification: Pathogenic for Hereditary cancer-predisposing syndrome. Last evaluated: 2018-08-20. Review status: criteria provided, single submitter. Criteria: Ambry Variant Classification Scheme 2023. Collection method: clinical testing. Allele origin: germline.
Comment: The c.2434_2437delTGCC pathogenic mutation, located in coding exon 14 of the PMS2 gene, results from a deletion of 4 nucleotides at nucleotide positions 2434 to 2437, causing a translational frameshift with a predicted alternate stop codon (p.C812Gfs*4). This alteration is expected to result in loss of function by premature protein truncation or nonsense-mediated mRNA decay. As such, this alteration is interpreted as a disease-causing mutation.